The following is an entry in ClinVar:

NM_000093.5(COL5A1):c.1307C>T (p.Ala436Val)

Gene: COL5A1 (collagen type V alpha 1 chain; plus strand). Cytogenetic location: 9q34.3.
Variant type: single nucleotide variant.
Coding change: c.1307C>T on transcript NM_000093.5 (MANE Select); coding-DNA position 1307, C replaced by T.
Protein change: p.Ala436Val; replaces alanine 436 with valine.
Molecular consequence: missense variant.
Genome position (GRCh38, 1-based): chr9:134,731,638, C>T. VCF-style: chr9-134731638-C-T. GRCh37 (hg19) VCF-style: chr9-137623484-C-T.
Other names: p.Ala436Val; c.1307C>T, p.Ala436Val (NM_001278074.1); short protein forms A436V.
Identifiers: ClinVar variation 439538 (VCV000439538.29), dbSNP rs144269434, ClinGen allele CA5318705.

ClinVar aggregate classification (germline): Conflicting classifications of pathogenicity. Review status: criteria provided, conflicting classifications (1 of 4 stars). 6 submissions from 6 submitters: Uncertain significance (5); Benign (1). Last evaluated 2025-12-03.

Conditions:
Ehlers-Danlos syndrome, classic type, 1 (EDSCL1). Also called: EHLERS-DANLOS SYNDROME, GRAVIS TYPE; EHLERS-DANLOS SYNDROME, SEVERE CLASSIC TYPE; EDS I; Ehlers-Danlos Syndrome, Classic Type, COL5A1-Related; Ehlers-Danlos syndrome, type 1. Identifiers: MedGen C0268335, MONDO:0019567, OMIM 130000.
Familial thoracic aortic aneurysm and aortic dissection (TAAD). Also called: Thoracic aortic aneurysms and dissections. Identifiers: Orphanet 91387, MedGen C4707243, MONDO:0019625.

Allele frequency attached by ClinVar (database versions not stated): TOPMed 0.00005; gnomAD exomes 0.00010 and 0.00003; ExAC 0.00003; gnomAD 0.00004 and 0.00003; ESP Exome Variant Server 0.00008.
gnomAD v4.1: 147 of 1,613,752 alleles (0.0091%); highest among the groups gnomAD compares: Non-Finnish European, 0.012%; no homozygotes.

Submissions (6):

Labcorp Genetics (formerly Invitae), Labcorp
Classification: Benign for Ehlers-Danlos syndrome, classic type, 1. Last evaluated: 2025-12-03. Review status: criteria provided, single submitter. Criteria: Invitae Variant Classification Sherloc (09022015). Collection method: clinical testing. Allele origin: germline.

Ambry Genetics
Classification: Uncertain significance for Familial thoracic aortic aneurysm and aortic dissection. Last evaluated: 2024-08-22. Review status: criteria provided, single submitter. Criteria: Ambry Variant Classification Scheme 2023. Collection method: clinical testing. Allele origin: germline.
Comment: The p.A436V variant (also known as c.1307C>T), located in coding exon 8 of the COL5A1 gene, results from a C to T substitution at nucleotide position 1307. The alanine at codon 436 is replaced by valine, an amino acid with similar properties. This amino acid position is highly conserved in available vertebrate species. In addition, the in silico prediction for this alteration is inconclusive. Since supporting evidence is limited at this time, the clinical significance of this alteration remains unclear.

Women's Health and Genetics/Laboratory Corporation of America, LabCorp
Classification: Uncertain significance. Last evaluated: 2024-03-30. Review status: criteria provided, single submitter. Criteria: LabCorp Variant Classification Summary - May 2015. Collection method: clinical testing. Allele origin: germline.

Mayo Clinic Laboratories, Mayo Clinic
Classification: Uncertain significance. Last evaluated: 2022-08-03. Review status: criteria provided, single submitter. Criteria: ACMG Guidelines, 2015. Collection method: clinical testing. Allele origin: germline. Observed: 1 variant allele.
Comment: BS1

GeneDx
Classification: Uncertain significance. Last evaluated: 2022-04-06. Review status: criteria provided, single submitter. Criteria: GeneDx Variant Classification Process June 2021. Collection method: clinical testing. Allele origin: germline. Affected: yes.
Comment: Has not been previously published as pathogenic or benign to our knowledge; In silico analysis supports that this missense variant does not alter protein structure/function; Not located in the triple helical region, where the majority of pathogenic missense variants occur (Symoens et al., 2012; HGMD)

ARUP Laboratories, Molecular Genetics and Genomics, ARUP Laboratories
Classification: Uncertain significance. Last evaluated: 2015-11-12. Review status: criteria provided, single submitter. Criteria: ARUP Molecular Germline Variant Investigation Process. Collection method: clinical testing. Allele origin: germline.